The following is an entry in ClinVar:

NM_001243133.2(NLRP3):c.1690G>A (p.Gly564Ser)

Gene: NLRP3 (NLR family pyrin domain containing 3; plus strand). Cytogenetic location: 1q44.
Variant type: single nucleotide variant.
Coding change: c.1690G>A on transcript NM_001243133.2 (MANE Select); coding-DNA position 1690, G replaced by A.
Protein change: p.Gly564Ser; replaces glycine 564 with serine.
Molecular consequence: missense variant.
Genome position (GRCh38, 1-based): chr1:247,425,139, G>A. VCF-style: chr1-247425139-G-A. GRCh37 (hg19) VCF-style: chr1-247588441-G-A.
Other names: c.1690G>A, p.Gly564Ser (NM_001079821.3, NM_001127461.3, NM_001127462.3 and 1 more transcripts); c.1696G>A, p.Gly566Ser (NM_004895.5); short protein forms G564S, G566S.
Identifiers: ClinVar variation 1694555 (VCV001694555.31), dbSNP rs2103112183, ClinGen allele CA345557597.

ClinVar aggregate classification (germline): Likely pathogenic (1 of 4 stars; one submission).

Submission:

CeGaT Center for Human Genetics Tuebingen
Classification: Likely pathogenic. Last evaluated: 2022-05-01. Review status: criteria provided, single submitter. Criteria: CeGaT Center For Human Genetics Tuebingen Variant Classification Criteria Version 2. Collection method: clinical testing. Allele origin: germline. Affected: yes. Observed: 1 variant allele.
Comment: NLRP3: PM1, PM2, PS3:Moderate, PS4:Supporting, BP4